The following is an entry in ClinVar:

NM_003901.4(SGPL1):c.667dup (p.Asp223fs)

Gene: SGPL1 (sphingosine-1-phosphate lyase 1; plus strand). Cytogenetic location: 10q22.1.
Variant type: Duplication.
Coding change: c.667dup on transcript NM_003901.4 (MANE Select); coding-DNA position 667, one base duplicated (G; older notation c.667dupG).
Protein change: p.Asp223fs; shifts the reading frame from aspartic acid 223.
Molecular consequence: frameshift variant. On other transcripts: non-coding transcript variant (1).
Genome position (GRCh38, 1-based): chr10:70,868,396, G duplicated; the last of 3 consecutive G bases (chr10:70,868,394-70,868,396); duplicating any one gives the same sequence. VCF-style (leftmost placement, unchanged base first): chr10-70868393-C-CG. GRCh37 (hg19) VCF-style: chr10-72628150-C-CG.
Other names: c.427dup, p.Asp143fs (NM_001437828.1); c.700dup, p.Asp234fs (NM_001438353.1); c.667dup, p.Asp223fs (NM_001438354.1, NM_001438355.1, NM_001438356.1 and 1 more transcripts); short protein forms D223fs, D143fs, D234fs.
Identifiers: ClinVar variation 5007729 (VCV005007729.2).
Genomic context (GRCh38, chr10:70,868,393, plus strand): 5'-TCTTTATTATAGGTGACTTCTGGGGGAACAGAAAGCATACTGATGGCCTGCAAAGCATAT[C>CG]GGGATCTGGCCTTTGAGAAGGGGATCAAAACTCCAGAAATGTATGTATGTGTGGCTGTTT-3'

ClinVar aggregate classification (germline): Likely pathogenic (1 of 4 stars; one submission).

Conditions:
Nephrotic syndrome 14. Also called: Sphingosine Phosphate Lyase Insufficiency Syndrome; RENI SYNDROME; RENAL, ENDOCRINE, NEUROLOGIC, AND IMMUNE SYNDROME. Identifiers: Orphanet 506334, MedGen C4540559, MONDO:0033203, OMIM 617575.

Submission:

Juno Genomics, Hangzhou Juno Genomics, Inc
Classification: Likely pathogenic for Nephrotic syndrome 14. Review status: criteria provided, single submitter. Criteria: ACMG Guidelines, 2015. Collection method: clinical testing. Allele origin: germline.
Comment: Null variant in a gene where loss of function (LOF) is a known mechanism of disease.;Absent from controls (or at extremely low frequency if recessive) in Genome Aggregation Database.